The following is an entry in ClinVar:

ClinVar aggregate classification (germline): Uncertain significance. Review status: criteria provided, multiple submitters, no conflicts (2 of 4 stars). 2 submissions from 2 submitters: Uncertain significance (2). Last evaluated 2025-03-31.

Conditions:
Inborn genetic diseases. Identifiers: MedGen C0950123, MeSH D030342.

Submissions (2):

Mayo Clinic Laboratories, Mayo Clinic
Classification: Uncertain significance. Last evaluated: 2025-03-31. Review status: criteria provided, single submitter. Criteria: ACMG Guidelines, 2015. Collection method: clinical testing. Allele origin: germline. Observed: 1 variant allele.
Comment: PM2_supporting, PM4

Ambry Genetics
Classification: Uncertain significance for Inborn genetic diseases. Last evaluated: 2022-03-04. Review status: criteria provided, single submitter. Criteria: Ambry Variant Classification Scheme 2023. Collection method: clinical testing. Allele origin: germline.
Comment: The c.5570delTinsGTTC variant, located in coding exon 30 of the SPG11 gene, results from an in-frame deletion of T and insertion of GTTC at nucleotide positions 5570 to 5570. This results in the substitution of the leucine residue for a residue at codon 1857, an amino acid with highly similar properties. This amino acid position is well conserved in available vertebrate species. In addition, the in silico prediction for this alteration is inconclusive (Choi Y et al. PLoS ONE. 2012; 7(10):e46688). Since supporting evidence is limited at this time, the clinical significance of this alteration remains unclear.

NM_025137.4(SPG11):c.5570delinsGTTC (p.Leu1857delinsArgSer)

Gene: SPG11 (SPG11 vesicle trafficking associated, spatacsin; minus strand). Cytogenetic location: 15q21.1.
Variant type: Indel.
Coding change: c.5570delinsGTTC on transcript NM_025137.4 (MANE Select); coding-DNA position 5570, T replaced by GTTC.
Protein change: p.Leu1857delinsArgSer.
Molecular consequence: inframe indel.
Genome position (GRCh38, 1-based): chr15:44,584,110, A replaced by GAAC on the plus strand (T replaced by GTTC on the coding strand, the reverse complement: SPG11 is on the minus strand). VCF-style: chr15-44584110-A-GAAC. GRCh37 (hg19) VCF-style: chr15-44876308-A-GAAC.
Other names: p.Leu1857delinsArgSer; c.5570delinsGTTC, p.Leu1857delinsArgSer (NM_001160227.2); c.5426delTinsGTTC, p.Leu1809delinsArgSer (NM_001411132.1).
Identifiers: ClinVar variation 1748370 (VCV001748370.3), dbSNP rs2505290909, ClinGen allele CA2580089453.